The following is an entry in ClinVar:

ClinVar aggregate classification (germline): Uncertain significance (1 of 4 stars; one submission).

Conditions:
Hereditary cancer-predisposing syndrome. Also called: Tumor predisposition; Hereditary neoplastic syndrome; Hereditary Cancer Syndrome; Neoplastic Syndromes, Hereditary. Identifiers: Orphanet 140162, MedGen C0027672, MeSH D009386, MONDO:0015356.

Allele frequency attached by ClinVar (database versions not stated): gnomAD exomes below 0.00001; ExAC 0.00001.

Submission:

Labcorp Genetics (formerly Invitae), Labcorp
Classification: Uncertain significance for Hereditary cancer-predisposing syndrome. Last evaluated: 2018-02-20. Review status: criteria provided, single submitter. Criteria: Invitae Variant Classification Sherloc (09022015). Collection method: clinical testing. Allele origin: germline.
Comment: This variant is present in population databases (rs777796968, ExAC 0.002%). This sequence change replaces isoleucine with threonine at codon 961 of the RAD50 protein (p.Ile961Thr). The isoleucine residue is moderately conserved and there is a moderate physicochemical difference between isoleucine and threonine. This variant has not been reported in the literature in individuals with RAD50-related disease. In summary, the available evidence is currently insufficient to determine the role of this variant in disease. Therefore, it has been classified as a Variant of Uncertain Significance. Algorithms developed to predict the effect of missense changes on protein structure and function do not agree on the potential impact of this missense change (SIFT: "Deleterious"; PolyPhen-2: "Possibly Damaging"; Align-GVGD: "Class C0").

NM_005732.4(RAD50):c.2882T>C (p.Ile961Thr)

Gene: RAD50 (RAD50 double strand break repair protein; plus strand). Cytogenetic location: 5q31.1.
Variant type: single nucleotide variant.
Coding change: c.2882T>C on transcript NM_005732.4 (MANE Select); coding-DNA position 2882, T replaced by C.
Protein change: p.Ile961Thr; replaces isoleucine 961 with threonine.
Molecular consequence: missense variant.
Genome position (GRCh38, 1-based): chr5:132,609,169, T>C. VCF-style: chr5-132609169-T-C. GRCh37 (hg19) VCF-style: chr5-131944861-T-C.
Other names: short protein forms I961T.
Identifiers: ClinVar variation 577753 (VCV000577753.9), dbSNP rs777796968, ClinGen allele CA3405473.